The following is an entry in ClinVar:

ClinVar aggregate classification (germline): Conflicting classifications of pathogenicity. Review status: criteria provided, conflicting classifications (1 of 4 stars). 8 submissions from 8 submitters: Pathogenic (1); Uncertain significance (1); Benign (2); Likely benign (3). 1 of the submissions does not count toward it. Last evaluated 2026-09-01.

Conditions:
Smith-Magenis Syndrome-like.
CC2D1A-related disorder. Also called: CC2D1A-related condition.
Inborn genetic diseases. Identifiers: MedGen C0950123, MeSH D030342.
Intellectual developmental disorder, autosomal recessive 3. Also called: Intellectual disability, autosomal recessive 3. Identifiers: Orphanet 88616, MedGen C1838023, MONDO:0012037, OMIM 608443.

Allele frequency attached by ClinVar (database versions not stated): 1000 Genomes Project 0.00359; 1000 Genomes Project 30x 0.00437; TOPMed 0.00437; gnomAD 0.00464 and 0.00476; ExAC 0.00471; ESP Exome Variant Server 0.00507; gnomAD exomes 0.00508.
gnomAD v4.1: 8,671 of 1,614,038 alleles (0.54%); highest among the groups gnomAD compares: Non-Finnish European, 0.6%; 28 homozygotes.

Submissions (8):

CeGaT Center for Human Genetics Tuebingen
Classification: Likely benign. Last evaluated: 2026-09-01. Review status: criteria provided, single submitter. Criteria: CeGaT Center For Human Genetics Tuebingen Variant Classification Criteria Version 2. Collection method: clinical testing. Allele origin: germline. Affected: yes. Observed: 32 variant alleles.
Comment: CC2D1A: BS2

Labcorp Genetics (formerly Invitae), Labcorp
Classification: Benign. Last evaluated: 2026-02-04. Review status: criteria provided, single submitter. Criteria: Invitae Variant Classification Sherloc (09022015). Collection method: clinical testing. Allele origin: germline.

Ambry Genetics
Classification: Likely benign for Inborn genetic diseases. Last evaluated: 2021-10-01. Review status: criteria provided, single submitter. Criteria: Ambry Variant Classification Scheme 2023. Collection method: clinical testing. Allele origin: germline.

Genomic Research Center, Shahid Beheshti University of Medical Sciences
Classification: Uncertain significance for Mental retardation, autosomal recessive 3. Last evaluated: 2019-01-01. Review status: criteria provided, single submitter. Criteria: ACMG Guidelines, 2015. Collection method: clinical testing. Allele origin: unknown. Affected: no. Observed: 1 variant allele.

Genetic Services Laboratory, University of Chicago
Classification: Benign. Last evaluated: 2016-10-28. Review status: criteria provided, single submitter. Criteria: ACMG Guidelines, 2015. Collection method: clinical testing. Allele origin: germline. Affected: no.

Lupski Lab, Baylor-Hopkins CMG, Baylor College of Medicine
Classification: Pathogenic for Smith-Magenis Syndrome-like. Last evaluated: 2016-08-15. Review status: criteria provided, single submitter. Criteria: Loviglio et al (Genome Med 2016). Collection method: research. Allele origin: unknown. Inheritance: Autosomal recessive inheritance. Affected: yes. Study: Identification of a RAI1-associated disease network through integration of exome sequencing, transcriptomics and 3D genomics.

Center for Pediatric Genomic Medicine, Children's Mercy Hospital and Clinics
Classification: Likely benign. Last evaluated: 2016-01-07. Review status: criteria provided, single submitter. Criteria: ACMG Guidelines, 2015. Collection method: clinical testing. Allele origin: germline.
ClinVar note: Converted during submission from Likely Benign to Likely benign.

PreventionGenetics, part of Exact Sciences
Classification: Benign for CC2D1A-related condition. Last evaluated: 2021-07-06. Review status: no assertion criteria provided. Collection method: clinical testing. Allele origin: germline. Not counted in ClinVar's aggregate classification.
Comment: This variant is classified as benign based on ACMG/AMP sequence variant interpretation guidelines (Richards et al. 2015 PMID: 25741868, with internal and published modifications).

Literature cited by the submitters: PubMed 24026677 (cited by Ambry Genetics); PubMed 27799067 (cited by Ambry Genetics); PubMed 34205586 (cited by Ambry Genetics).

NM_017721.5(CC2D1A):c.1739C>T (p.Thr580Ile)

Gene: CC2D1A (coiled-coil and C2 domain containing 1A; plus strand). Cytogenetic location: 19p13.12.
Variant type: single nucleotide variant.
Coding change: c.1739C>T on transcript NM_017721.5 (MANE Select); coding-DNA position 1739, C replaced by T.
Protein change: p.Thr580Ile; replaces threonine 580 with isoleucine.
Molecular consequence: missense variant.
Genome position (GRCh38, 1-based): chr19:13,923,430, C>T. VCF-style: chr19-13923430-C-T. GRCh37 (hg19) VCF-style: chr19-14034243-C-T.
Other names: short protein forms T580I.
Identifiers: ClinVar variation 128618 (VCV000128618.65), dbSNP rs202057391, ClinGen allele CA152194.